The following is an entry in ClinVar:

ClinVar aggregate classification (germline): Uncertain significance (1 of 4 stars; one submission).

Conditions:
Cardiovascular phenotype. Identifiers: MedGen CN230736.

gnomAD v4.1: 3 of 1,613,896 alleles (0.00019%); highest among the groups gnomAD compares: Non-Finnish European, 0.00025%; no homozygotes.

Submission:

Ambry Genetics
Classification: Uncertain significance for Cardiovascular phenotype. Last evaluated: 2026-08-29. Review status: criteria provided, single submitter. Criteria: Ambry Variant Classification Scheme 2023. Collection method: clinical testing. Allele origin: germline.
Comment: The p.L334P variant (also known as c.1001T>C), located in coding exon 9 of the LIPA gene, results from a T to C substitution at nucleotide position 1001. The leucine at codon 334 is replaced by proline, an amino acid with similar properties. This amino acid position is conserved. In addition, this alteration is predicted to be tolerated by in silico analysis. Based on the available evidence, the clinical significance of this variant remains unclear.

NM_000235.4(LIPA):c.1001T>C (p.Leu334Pro)

Gene: LIPA (lipase A, lysosomal acid type; minus strand). Cytogenetic location: 10q23.31.
Variant type: single nucleotide variant.
Coding change: c.1001T>C on transcript NM_000235.4 (MANE Select); coding-DNA position 1001, T replaced by C.
Protein change: p.Leu334Pro; replaces leucine 334 with proline.
Molecular consequence: missense variant.
Genome position (GRCh38, 1-based): chr10:89,215,027, A>G on the plus strand (T>C on the coding strand, the complement: LIPA is on the minus strand). VCF-style: chr10-89215027-A-G. GRCh37 (hg19) VCF-style: chr10-90974784-A-G.
Other names: c.1001T>C, p.Leu334Pro (NM_001440831.1, NM_001440832.1, NM_001440833.1 and 16 more transcripts); c.1133T>C, p.Leu378Pro (NM_001440836.1); c.1022T>C, p.Leu341Pro (NM_001440837.1); c.1016T>C, p.Leu339Pro (NM_001440838.1); c.833T>C, p.Leu278Pro (NM_001440839.1); c.653T>C, p.Leu218Pro (NM_001288979.2); short protein forms L339P, L218P, L334P, L341P, L278P, L378P.
Identifiers: ClinVar variation 5023586 (VCV005023586.1).